The following is an entry in ClinVar:

NM_000257.4(MYH7):c.3299T>A (p.Leu1100His)

Gene: MYH7 (myosin heavy chain 7; minus strand). Cytogenetic location: 14q11.2.
Variant type: single nucleotide variant.
Coding change: c.3299T>A on transcript NM_000257.4 (MANE Select); coding-DNA position 3299, T replaced by A.
Protein change: p.Leu1100His; replaces leucine 1100 with histidine.
Molecular consequence: missense variant.
Genome position (GRCh38, 1-based): chr14:23,420,995, A>T on the plus strand (T>A on the coding strand, the complement: MYH7 is on the minus strand). VCF-style: chr14-23420995-A-T. GRCh37 (hg19) VCF-style: chr14-23890204-A-T.
Other names: c.3299T>A, p.Leu1100His (NM_001407004.1); short protein forms L1100H.
Identifiers: ClinVar variation 3387319 (VCV003387319.1).
Genomic context (GRCh38, chr14:23,420,995, plus strand): 5'-CCGCGTGGGTGTCCAGACCTCACCTGAAGCTCCTTGAGCTTCTTCTGCAGCTGGCTGCCG[A>T]GGGCCTGTTCATCCTCAATCCTTGCGTTGAGAGCATTCAGCTCAAAGTCTTTTCTGTGGG-3'
Protein context (NP_000248.2, residues 1090-1110): LNARIEDEQA[Leu1100His]GSQLQKKLKE

ClinVar aggregate classification (germline): Uncertain significance (1 of 4 stars; one submission).

Conditions:
Cardiomyopathy (CMYO). Also called: Cardiomyopathies. Identifiers: Orphanet 167848, MedGen C0878544, MONDO:0004994, HP:0001638. Inheritance: Various modes of inheritance.

gnomAD v4.1: 1 of 1,612,604 alleles (0.000062%); highest among the groups gnomAD compares: Admixed American, 0.0017%; no homozygotes.

Submission:

All of Us Research Program, National Institutes of Health
Classification: Uncertain significance for Cardiomyopathy. Last evaluated: 2024-03-05. Review status: criteria provided, single submitter. Criteria: ACMG Guidelines, 2015. Collection method: clinical testing. Allele origin: germline. Inheritance: Autosomal dominant inheritance. Observed: 1 variant allele, 1 heterozygote.
Comment: This study involves interpretation of variants in research participants for the purpose of population health screening. Participant phenotype was not available at the time of variant classification. Additional details can be found in publication PMID: 35346344, PMCID: PMC8962531